The following is an entry in ClinVar:

ClinVar aggregate classification (germline): Uncertain significance (1 of 4 stars; one submission).

Conditions:
Landau-Kleffner syndrome (FESD). Also called: EPILEPSY, FOCAL, WITH SPEECH DISORDER AND WITH OR WITHOUT MENTAL RETARDATION; APHASIA, ACQUIRED, WITH EPILEPSY. Identifiers: Orphanet 1945, Orphanet 725, Orphanet 98818, MedGen C0282512, MONDO:0009509, OMIM 245570.

Submission:

Labcorp Genetics (formerly Invitae), Labcorp
Classification: Uncertain significance for Landau-Kleffner syndrome. Last evaluated: 2022-12-02. Review status: criteria provided, single submitter. Criteria: Invitae Variant Classification Sherloc (09022015). Collection method: clinical testing. Allele origin: germline.
Comment: This missense change has been observed in individual(s) with clinical features of GRIN2A-related conditions (Invitae). In summary, the available evidence is currently insufficient to determine the role of this variant in disease. Therefore, it has been classified as a Variant of Uncertain Significance. This variant disrupts the p.Pro699Ser amino acid residue in GRIN2A. Other variant(s) that disrupt this residue have been determined to be pathogenic (PMID: 23933819, 27839871). This suggests that this residue is clinically significant, and that variants that disrupt this residue are likely to be disease-causing. Advanced modeling of protein sequence and biophysical properties (such as structural, functional, and spatial information, amino acid conservation, physicochemical variation, residue mobility, and thermodynamic stability) has been performed at Invitae for this missense variant, however the output from this modeling did not meet the statistical confidence thresholds required to predict the impact of this variant on GRIN2A protein function. This missense change has been observed in at least one individual who was not affected with GRIN2A-related conditions (Invitae). This variant is not present in population databases (gnomAD no frequency). This sequence change replaces proline, which is neutral and non-polar, with alanine, which is neutral and non-polar, at codon 699 of the GRIN2A protein (p.Pro699Ala).

Literature cited by the submitters: PubMed 23933819; PubMed 27839871.

NM_001134407.3(GRIN2A):c.2095C>G (p.Pro699Ala)

Gene: GRIN2A (glutamate ionotropic receptor NMDA type subunit 2A; minus strand). Cytogenetic location: 16p13.2.
Variant type: single nucleotide variant.
Coding change: c.2095C>G on transcript NM_001134407.3 (MANE Select); coding-DNA position 2095, C replaced by G.
Protein change: p.Pro699Ala; replaces proline 699 with alanine.
Molecular consequence: missense variant.
Genome position (GRCh38, 1-based): chr16:9,822,337, G>C on the plus strand (C>G on the coding strand, the complement: GRIN2A is on the minus strand). VCF-style: chr16-9822337-G-C. GRCh37 (hg19) VCF-style: chr16-9916194-G-C.
Other names: c.2095C>G, p.Pro699Ala (NM_000833.5, NM_001134408.2); short protein forms P699A.
Identifiers: ClinVar variation 2020528 (VCV002020528.4), dbSNP rs1555491648, ClinGen allele CA394797817.